The following is an entry in ClinVar:

ClinVar aggregate classification (germline): Uncertain significance (1 of 4 stars; one submission).

gnomAD v4.1: 3 of 1,613,888 alleles (0.00019%); highest among the groups gnomAD compares: African/African-American, 0.0013%; no homozygotes.

Submission:

Labcorp Genetics (formerly Invitae), Labcorp
Classification: Uncertain significance. Last evaluated: 2024-09-24. Review status: criteria provided, single submitter. Criteria: Invitae Variant Classification Sherloc (09022015). Collection method: clinical testing. Allele origin: germline.
Comment: This sequence change replaces glutamine, which is neutral and polar, with histidine, which is basic and polar, at codon 199 of the TBX20 protein (p.Gln199His). This variant is not present in population databases (gnomAD no frequency). This variant has not been reported in the literature in individuals affected with TBX20-related conditions. Invitae Evidence Modeling of protein sequence and biophysical properties (such as structural, functional, and spatial information, amino acid conservation, physicochemical variation, residue mobility, and thermodynamic stability) has been performed for this missense variant. However, the output from this modeling did not meet the statistical confidence thresholds required to predict the impact of this variant on TBX20 protein function. In summary, the available evidence is currently insufficient to determine the role of this variant in disease. Therefore, it has been classified as a Variant of Uncertain Significance.

NM_001077653.2(TBX20):c.597G>C (p.Gln199His)

Gene: TBX20 (T-box transcription factor 20; minus strand). Cytogenetic location: 7p14.2.
Variant type: single nucleotide variant.
Coding change: c.597G>C on transcript NM_001077653.2 (MANE Select); coding-DNA position 597, G replaced by C.
Protein change: p.Gln199His; replaces glutamine 199 with histidine.
Molecular consequence: missense variant.
Genome position (GRCh38, 1-based): chr7:35,245,006, C>G on the plus strand (G>C on the coding strand, the complement: TBX20 is on the minus strand). VCF-style: chr7-35245006-C-G. GRCh37 (hg19) VCF-style: chr7-35284618-C-G.
Other names: c.597G>C, p.Gln199His (NM_001166220.1); short protein forms Q199H.
Identifiers: ClinVar variation 3692227 (VCV003692227.2).
Genomic context (GRCh38, chr7:35,245,006, plus strand): 5'-TACATGGCCATGTTGATCCAGTTCATTGTTGGTGAGTTTCACCTTTTCAAAAGACACCAT[C>G]TGTTTGAGTAGTTGCTCACCGGTAAAAGGAGAATCTGGATGCACATAGAGCCTAAGAAAA-3'
Protein context (NP_001071121.1, residues 189-209): SPFTGEQLLK[Gln199His]MVSFEKVKLT